The following is an entry in ClinVar:

ClinVar aggregate classification (germline): Uncertain significance. Review status: criteria provided, multiple submitters, no conflicts (2 of 4 stars). 2 submissions from 2 submitters: Uncertain significance (2). Last evaluated 2025-10-01.

Conditions:
Myofibrillar myopathy 6. Identifiers: Orphanet 199340, MedGen C2751831, MONDO:0013061, OMIM 612954.
Dilated cardiomyopathy 1HH (CMD1HH). Identifiers: Orphanet 154, MedGen C3151293, MONDO:0013479, OMIM 613881.
Cardiovascular phenotype. Identifiers: MedGen CN230736.

Allele frequency attached by ClinVar (database versions not stated): gnomAD exomes 0.00001.
gnomAD v4.1: 7 of 1,612,372 alleles (0.00043%); highest among the groups gnomAD compares: South Asian, 0.0011%; no homozygotes.

Submissions (2):

Labcorp Genetics (formerly Invitae), Labcorp
Classification: Uncertain significance for Dilated cardiomyopathy 1HH; Myofibrillar myopathy 6. Last evaluated: 2025-10-01. Review status: criteria provided, single submitter. Criteria: Invitae Variant Classification Sherloc (09022015). Collection method: clinical testing. Allele origin: germline.
Comment: This sequence change falls in intron 3 of the BAG3 gene. It does not directly change the encoded amino acid sequence of the BAG3 protein. It affects a nucleotide within the consensus splice site. This variant is not present in population databases (gnomAD no frequency). This variant has not been reported in the literature in individuals affected with BAG3-related conditions. ClinVar contains an entry for this variant (Variation ID: 2055485). Variants that disrupt the consensus splice site are a relatively common cause of aberrant splicing (PMID: 17576681, 9536098). Algorithms developed to predict the effect of sequence changes on RNA splicing suggest that this variant may disrupt the consensus splice site. In summary, the available evidence is currently insufficient to determine the role of this variant in disease. Therefore, it has been classified as a Variant of Uncertain Significance.

Ambry Genetics
Classification: Uncertain significance for Cardiovascular phenotype. Last evaluated: 2023-04-06. Review status: criteria provided, single submitter. Criteria: Ambry Variant Classification Scheme 2023. Collection method: clinical testing. Allele origin: germline.
Comment: The c.909+5G>A intronic variant results from a G to A substitution 5 nucleotides after coding exon 3 in the BAG3 gene. This nucleotide position is well conserved in available vertebrate species. In silico splice site analysis for this alteration is inconclusive. Since supporting evidence is limited at this time, the clinical significance of this alteration remains unclear.

Literature cited by the submitters: PubMed 17576681 (cited by Labcorp Genetics (formerly Invitae), Labcorp); PubMed 9536098 (cited by Labcorp Genetics (formerly Invitae), Labcorp).

NM_004281.4(BAG3):c.909+5G>A

Gene: BAG3 (BAG cochaperone 3; plus strand). Cytogenetic location: 10q26.11.
Variant type: single nucleotide variant.
Coding change: c.909+5G>A on transcript NM_004281.4 (MANE Select); 5 bases into the intron after coding-DNA position 909, G replaced by A.
Molecular consequence: intron variant.
Genome position (GRCh38, 1-based): chr10:119,672,661, G>A. VCF-style: chr10-119672661-G-A. GRCh37 (hg19) VCF-style: chr10-121432173-G-A.
Other names: c.909+5G>A (NM_004281.3).
Identifiers: ClinVar variation 2055485 (VCV002055485.6), dbSNP rs935871540, ClinGen allele CA214222234.
Genomic context (GRCh38, chr10:119,672,661, plus strand): 5'-CGCCACTCCACTCCCCCTCGCCCATCCGTGTGCACACCGTGGTCGACAGGCCTCAGGTAC[G>A]GGAAGTTAGTCGTCAGCAGACTGGTTATGGTGGTATGTCTCCAGGGGTGCAGGAGCTCTG-3'